The following is an entry in ClinVar:

NM_015559.3(SETBP1):c.625A>C (p.Lys209Gln)

Gene: SETBP1 (SET binding protein 1; plus strand). Cytogenetic location: 18q12.3.
Variant type: single nucleotide variant.
Coding change: c.625A>C on transcript NM_015559.3 (MANE Select); coding-DNA position 625, A replaced by C.
Protein change: p.Lys209Gln; replaces lysine 209 with glutamine.
Molecular consequence: missense variant.
Genome position (GRCh38, 1-based): chr18:44,949,965, A>C. VCF-style: chr18-44949965-A-C. GRCh37 (hg19) VCF-style: chr18-42529930-A-C.
Other names: c.625A>C, p.Lys209Gln (NM_001379141.1, NM_001379142.1, NM_001410862.1); short protein forms K209Q.
Identifiers: ClinVar variation 3716285 (VCV003716285.2).

ClinVar aggregate classification (germline): Uncertain significance (1 of 4 stars; one submission).

gnomAD v4.1: 3 of 1,614,102 alleles (0.00019%); highest among the groups gnomAD compares: South Asian, 0.0033%; no homozygotes.

Submission:

Labcorp Genetics (formerly Invitae), Labcorp
Classification: Uncertain significance. Last evaluated: 2024-04-08. Review status: criteria provided, single submitter. Criteria: Invitae Variant Classification Sherloc (09022015). Collection method: clinical testing. Allele origin: germline.
Comment: This sequence change replaces lysine, which is basic and polar, with glutamine, which is neutral and polar, at codon 209 of the SETBP1 protein (p.Lys209Gln). This variant is not present in population databases (gnomAD no frequency). This variant has not been reported in the literature in individuals affected with SETBP1-related conditions. Advanced modeling of protein sequence and biophysical properties (such as structural, functional, and spatial information, amino acid conservation, physicochemical variation, residue mobility, and thermodynamic stability) performed at Invitae indicates that this missense variant is not expected to disrupt SETBP1 protein function with a negative predictive value of 80%. In summary, the available evidence is currently insufficient to determine the role of this variant in disease. Therefore, it has been classified as a Variant of Uncertain Significance.